The following is an entry in ClinVar:

ClinVar aggregate classification (germline): not provided (0 of 4 stars; one submission).

Allele frequency attached by ClinVar (database versions not stated): gnomAD exomes 0.00430; 1000 Genomes Project 30x 0.00031; 1000 Genomes Project 0.00040; gnomAD 0.00391 and 0.00407; TOPMed 0.00392.
gnomAD v4.1: 9,227 of 1,545,022 alleles (0.6%); highest among the groups gnomAD compares: Non-Finnish European, 0.75%; 40 homozygotes.

Submission:

ITMI
No classification provided. Condition: AllHighlyPenetrant. Last evaluated: 2013-09-19. Review status: no classification provided. Collection method: reference population. Allele origin: germline.
Comment: Please see associated publication for description of ethnicities

Literature cited by the submitters: PubMed 24728327.

NM_000245.4(MET):c.1701+75T>G

Gene: MET (MET proto-oncogene, receptor tyrosine kinase; plus strand). Cytogenetic location: 7q31.2.
Variant type: single nucleotide variant.
Coding change: c.1701+75T>G on transcript NM_000245.4 (MANE Select); 75 bases into the intron after coding-DNA position 1701, T replaced by G.
Molecular consequence: intron variant.
Genome position (GRCh38, 1-based): chr7:116,741,100, T>G. VCF-style: chr7-116741100-T-G. GRCh37 (hg19) VCF-style: chr7-116381154-T-G.
Other names: c.1701+75T>G (NM_001127500.3, NM_001324401.3); c.411+75T>G (NM_001324402.2).
Identifiers: ClinVar variation 135558 (VCV000135558.1), dbSNP rs553431706, ClinGen allele CA163014.